The following is an entry in ClinVar:

ClinVar aggregate classification (germline): Likely pathogenic (1 of 4 stars; one submission).

Conditions:
Congenital lipoid adrenal hyperplasia due to STAR deficency. Also called: Congenital Lipoid Adrenal Hyperplasia; Cholesterol monooxygenase (side-chain cleaving) deficiency; Lipoid adrenal hyperplasia; ADRENAL HYPERPLASIA I. Identifiers: Orphanet 418, Orphanet 90790, MedGen C0342474, MONDO:0008725, OMIM 201710.

Submission:

Myriad Genetics, Inc.
Classification: Likely pathogenic for Congenital lipoid adrenal hyperplasia due to STAR deficency. Last evaluated: 2022-03-06. Review status: criteria provided, single submitter. Criteria: Myriad Women's Health Autosomal Recessive and X-Linked Classification Criteria (2021). Collection method: clinical testing. Allele origin: unknown.
Comment: NM_000349.2(STAR):c.436G>T(E146*) is expected to be pathogenic in the context of lipoid congenital adrenal hyperplasia. This variant is predicted to lead to an abnormal or absent protein product due to the creation of a premature termination codon in STAR, a gene where loss-of-function variants are known to be pathogenic. Please note: this variant was assessed in the context of healthy population screening.

NM_000349.3(STAR):c.436G>T (p.Glu146Ter)

Gene: STAR (steroidogenic acute regulatory protein; minus strand). Cytogenetic location: 8p11.23.
Variant type: single nucleotide variant.
Coding change: c.436G>T on transcript NM_000349.3 (MANE Select); coding-DNA position 436, G replaced by T.
Protein change: p.Glu146Ter; replaces glutamic acid 146 with a stop codon.
Molecular consequence: nonsense.
Genome position (GRCh38, 1-based): chr8:38,146,318, C>A on the plus strand (G>T on the coding strand, the complement: STAR is on the minus strand). VCF-style: chr8-38146318-C-A. GRCh37 (hg19) VCF-style: chr8-38003836-C-A.
Other names: short protein forms E146*.
Identifiers: ClinVar variation 1725060 (VCV001725060.2), dbSNP rs2487063127, ClinGen allele CA370700195.
Genomic context (GRCh38, chr8:38,146,318, plus strand): 5'-CCCCTGCCACCTGCACCTGGACTTTGCTCACCTTGATCTCCTTGACATTGGGGTTCCACT[C>A]CCCCATTGCTTCCATGCGCTCCACGAGCTCTTCATAGAGCCTCTCCATGGGCTGGTCCAC-3'